The following is an entry in ClinVar:

NM_001042492.3(NF1):c.7499C>T (p.Ser2500Phe)

Gene: NF1 (neurofibromin 1; plus strand). Cytogenetic location: 17q11.2.
Variant type: single nucleotide variant.
Coding change: c.7499C>T on transcript NM_001042492.3 (MANE Select); coding-DNA position 7499, C replaced by T.
Protein change: p.Ser2500Phe; replaces serine 2500 with phenylalanine.
Molecular consequence: missense variant.
Genome position (GRCh38, 1-based): chr17:31,352,298, C>T. VCF-style: chr17-31352298-C-T. GRCh37 (hg19) VCF-style: chr17-29679316-C-T.
Other names: c.7436C>T, p.Ser2479Phe (NM_000267.4); short protein forms S2500F, S2479F.
Identifiers: ClinVar variation 4615723 (VCV004615723.1).
Genomic context (GRCh38, chr17:31,352,298, plus strand): 5'-TATTGTTTTCATCTTTCAGGACACTAAAGGAGACTCAGCCATGGTCCTCTCCCAAAGGTT[C>T]TGAAGGATACCTTGCAGCCACCTATCCAACTGTCGGCCAGACCAGTCCCCGAGCCAGGAA-3'
Protein context (NP_001035957.1, residues 2490-2510): ETQPWSSPKG[Ser2500Phe]EGYLAATYPT

ClinVar aggregate classification (germline): Uncertain significance (1 of 4 stars; one submission).

Conditions:
Cardiovascular phenotype. Identifiers: MedGen CN230736.
Hereditary cancer-predisposing syndrome. Also called: Neoplastic Syndromes, Hereditary; Tumor predisposition; Hereditary Cancer Syndrome; Hereditary neoplastic syndrome. Identifiers: Orphanet 140162, MedGen C0027672, MeSH D009386, MONDO:0015356.

Submission:

Ambry Genetics
Classification: Uncertain significance for Cardiovascular phenotype; Hereditary cancer-predisposing syndrome. Last evaluated: 2025-09-22. Review status: criteria provided, single submitter. Criteria: Ambry Variant Classification Scheme 2023. Collection method: clinical testing. Allele origin: germline.
Comment: The p.S2479F variant (also known as c.7436C>T), located in coding exon 50 of the NF1 gene, results from a C to T substitution at nucleotide position 7436. The serine at codon 2479 is replaced by phenylalanine, an amino acid with highly dissimilar properties. This amino acid position is conserved. In addition, the in silico prediction for this alteration is inconclusive. Based on the available evidence, the clinical significance of this variant remains unclear.